The following is an entry in ClinVar:

NM_007194.4(CHEK2):c.445-13T>C

Gene: CHEK2 (checkpoint kinase 2; minus strand). Cytogenetic location: 22q12.1.
Variant type: single nucleotide variant.
Coding change: c.445-13T>C on transcript NM_007194.4 (MANE Select); 13 bases into the intron before coding-DNA position 445, T replaced by C.
Molecular consequence: intron variant.
Genome position (GRCh38, 1-based): chr22:28,725,137, A>G on the plus strand (T>C on the coding strand, the complement: CHEK2 is on the minus strand). VCF-style: chr22-28725137-A-G. GRCh37 (hg19) VCF-style: chr22-29121125-A-G.
Other names: c.-219-13T>C (NM_001437942.1); c.444+106T>C (NM_001349956.3); c.445-13T>C (NM_145862.3); c.-333-13T>C (NM_001257387.3); c.538-13T>C (NM_001438295.1, NM_001438293.1); c.574-13T>C (NM_001438294.1, NM_001005735.3).
Identifiers: ClinVar variation 3772810 (VCV003772810.1).

ClinVar aggregate classification (germline): Likely benign (1 of 4 stars; one submission).

Conditions:
Familial cancer of breast. Also called: Hereditary breast cancer; BREAST CANCER, FAMILIAL; hereditary breast carcinoma. Identifiers: Orphanet 227535, MedGen C0346153, MONDO:0016419, OMIM 114480. Disease mechanism: loss of function.

Submission:

Myriad Genetics, Inc.
Classification: Likely benign for Familial cancer of breast. Last evaluated: 2024-10-02. Review status: criteria provided, single submitter. Criteria: Myriad Autosomal Dominant, Autosomal Recessive and X-Linked Classification Criteria (2023). Collection method: clinical testing. Allele origin: unknown.
Comment: This variant is considered likely benign. This variant is intronic and is not expected to impact mRNA splicing.